The following is an entry in ClinVar:

NM_003791.4(MBTPS1):c.1216G>A (p.Gly406Arg)

Gene: MBTPS1 (membrane bound transcription factor peptidase, site 1; minus strand). Cytogenetic location: 16q23.3.
Variant type: single nucleotide variant.
Coding change: c.1216G>A on transcript NM_003791.4 (MANE Select); coding-DNA position 1216, G replaced by A.
Protein change: p.Gly406Arg; replaces glycine 406 with arginine.
Molecular consequence: missense variant.
Genome position (GRCh38, 1-based): chr16:84,085,053, C>T on the plus strand (G>A on the coding strand, the complement: MBTPS1 is on the minus strand). VCF-style: chr16-84085053-C-T. GRCh37 (hg19) VCF-style: chr16-84118658-C-T.
Other names: short protein forms G406R.
Identifiers: ClinVar variation 1308370 (VCV001308370.2), dbSNP rs2151158443, ClinGen allele CA396935020.
Genomic context (GRCh38, chr16:84,085,053, plus strand): 5'-AGGTGACAGCACCTGCAACCACTGGAGAAGCAACACTGGTCCCTGAGAGGGCCCGGCACC[C>T]CCCTTTCACGCCAGAACCCCGCACGCCAGCACCATAGGTGACAATGTCAGGTTTCATGCG-3'
Protein context (NP_003782.1, residues 396-416): AGVRGSGVKG[Gly406Arg]CRALSGTSVA

ClinVar aggregate classification (germline): Uncertain significance (1 of 4 stars; one submission).

gnomAD v4.1: 1 of 1,614,184 alleles (0.000062%); no homozygotes.

Submission:

GeneDx
Classification: Uncertain significance. Last evaluated: 2019-03-30. Review status: criteria provided, single submitter. Criteria: GeneDx Variant Classification Process June 2021. Collection method: clinical testing. Allele origin: germline. Affected: yes.
Comment: Not observed in large population cohorts (Lek et al., 2016); In silico analysis, which includes protein predictors and evolutionary conservation, supports a deleterious effect; Has not been previously published as pathogenic or benign to our knowledge; Variants in candidate genes are classified as variants of uncertain significance in accordance with ACMG guidelines (Richards et al., 2015)